The following is an entry in ClinVar:

NM_000717.5(CA4):c.357C>T (p.Ser119=)

Gene: CA4 (carbonic anhydrase 4; plus strand). Cytogenetic location: 17q23.1.
Variant type: single nucleotide variant.
Coding change: c.357C>T on transcript NM_000717.5 (MANE Select); coding-DNA position 357, C replaced by T.
Protein change: p.Ser119=; no amino-acid change (serine 119 retained).
Molecular consequence: synonymous variant. On other transcripts: non-coding transcript variant (1).
Genome position (GRCh38, 1-based): chr17:60,157,515, C>T. VCF-style: chr17-60157515-C-T. GRCh37 (hg19) VCF-style: chr17-58234876-C-T.
Identifiers: ClinVar variation 324230 (VCV000324230.15), dbSNP rs765898059, ClinGen allele CA8685308.

ClinVar aggregate classification (germline): Benign/Likely benign. Review status: criteria provided, multiple submitters, no conflicts (2 of 4 stars). 4 submissions from 4 submitters: Benign (1); Likely benign (3). Last evaluated 2024-07-12.

Conditions:
Retinal dystrophy. Also called: Inherited retinal dystrophy. Identifiers: Orphanet 71862, MedGen C0854723, MeSH D058499, MONDO:0019118, HP:0000556.
Retinitis pigmentosa (RP). Identifiers: Orphanet 791, MedGen C0035334, MeSH D012174, MONDO:0019200, OMIM 268000. Inheritance: Autosomal dominant, autosomal recessive and X linked inheritance.

Allele frequency attached by ClinVar (database versions not stated): gnomAD 0.00001 and 0.00002; TOPMed 0.00011.
gnomAD v4.1: 64 of 1,614,172 alleles (0.004%); highest among the groups gnomAD compares: East Asian, 0.1%; no homozygotes.

Submissions (4):

Blueprint Genetics
Classification: Likely benign. Last evaluated: 2024-07-12. Review status: criteria provided, single submitter. Criteria: ACMG Guidelines, 2015. Collection method: clinical testing. Allele origin: germline.

Dept Of Ophthalmology, Nagoya University
Classification: Benign for Retinal dystrophy. Last evaluated: 2023-10-01. Review status: criteria provided, single submitter. Criteria: Submitter's publication. Collection method: research. Allele origin: germline. Affected: yes.

Labcorp Genetics (formerly Invitae), Labcorp
Classification: Likely benign. Last evaluated: 2023-09-05. Review status: criteria provided, single submitter. Criteria: Invitae Variant Classification Sherloc (09022015). Collection method: clinical testing. Allele origin: germline.

Illumina Laboratory Services, Illumina
Classification: Likely benign for Retinitis pigmentosa. Last evaluated: 2018-01-13. Review status: criteria provided, single submitter. Criteria: ICSL Variant Classification Criteria 13 December 2019. Collection method: clinical testing. Allele origin: germline.
Comment: This variant was observed in the ICSL laboratory as part of a predisposition screen in an ostensibly healthy population. It had not been previously curated by ICSL or reported in the Human Gene Mutation Database (HGMD: prior to June 1st, 2018), and was therefore a candidate for classification through an automated scoring system. Utilizing variant allele frequency, disease prevalence and penetrance estimates, and inheritance mode, an automated score was calculated to assess if this variant is too frequent to cause the disease. Based on the score and internal cut-off values, a variant classified as likely benign is not then subjected to further curation. The score for this variant resulted in a classification of likely benign for this disease.